The following is an entry in ClinVar:

ClinVar aggregate classification (germline): Uncertain significance. Review status: criteria provided, multiple submitters, no conflicts (2 of 4 stars). 3 submissions from 3 submitters: Uncertain significance (3). Last evaluated 2025-11-25.

Conditions:
Inborn genetic diseases. Identifiers: MedGen C0950123, MeSH D030342.
Developmental and epileptic encephalopathy, 18 (DEE18). Also called: Early infantile epileptic encephalopathy 18. Identifiers: Orphanet 369894, MedGen C3809624, MONDO:0014201, OMIM 615476.

Allele frequency attached by ClinVar (database versions not stated): gnomAD exomes 0.00005 and 0.00011; 1000 Genomes Project 30x 0.00016; 1000 Genomes Project 0.00020; ExAC 0.00029; gnomAD 0.00054 and 0.00060; TOPMed 0.00058.
gnomAD v4.1: 152 of 1,584,216 alleles (0.0096%); highest among the groups gnomAD compares: African/African-American, 0.18%; no homozygotes.

Submissions (3):

Labcorp Genetics (formerly Invitae), Labcorp
Classification: Uncertain significance. Last evaluated: 2025-11-25. Review status: criteria provided, single submitter. Criteria: Invitae Variant Classification Sherloc (09022015). Collection method: clinical testing. Allele origin: germline.
Comment: This sequence change falls in intron 14 of the SZT2 gene. It does not directly change the encoded amino acid sequence of the SZT2 protein. It affects a nucleotide within the consensus splice site. This variant is present in population databases (rs578153834, gnomAD 0.2%). This variant has not been reported in the literature in individuals affected with SZT2-related conditions. ClinVar contains an entry for this variant (Variation ID: 411938). Variants that disrupt the consensus splice site are a relatively common cause of aberrant splicing (PMID: 17576681, 9536098). Algorithms developed to predict the effect of sequence changes on RNA splicing suggest that this variant is not likely to affect RNA splicing. In summary, the available evidence is currently insufficient to determine the role of this variant in disease. Therefore, it has been classified as a Variant of Uncertain Significance.

Genome-Nilou Lab
Classification: Uncertain significance for Developmental and epileptic encephalopathy, 18. Last evaluated: 2023-04-11. Review status: criteria provided, single submitter. Criteria: ACMG Guidelines, 2015. Collection method: clinical testing. Allele origin: germline. Affected: no.

Ambry Genetics
Classification: Uncertain significance for Inborn genetic diseases. Last evaluated: 2017-12-18. Review status: criteria provided, single submitter. Criteria: Ambry Variant Classification Scheme 2023. Collection method: clinical testing. Allele origin: germline.
Comment: The c.2038-3C>T intronic variant results from a C to T substitution 3 nucleotides upstream from N/A in the SZT2 gene. This nucleotide position is well conserved in available vertebrate species. Using the BDGP and ESEfinder splice site prediction tools, this alteration is not predicted to have any significant effect on this splice acceptor site; however, direct evidence is unavailable. Since supporting evidence is limited at this time, the clinical significance of this alteration remains unclear.

Literature cited by the submitters: PubMed 17576681 (cited by Labcorp Genetics (formerly Invitae), Labcorp); PubMed 9536098 (cited by Labcorp Genetics (formerly Invitae), Labcorp).

NM_001365999.1(SZT2):c.2038-3C>T

Gene: SZT2 (SZT2 subunit of KICSTOR complex; plus strand). Cytogenetic location: 1p34.2.
Variant type: single nucleotide variant.
Coding change: c.2038-3C>T on transcript NM_001365999.1 (MANE Select); 3 bases into the intron before coding-DNA position 2038, C replaced by T.
Molecular consequence: intron variant.
Genome position (GRCh38, 1-based): chr1:43,423,096, C>T. VCF-style: chr1-43423096-C-T. GRCh37 (hg19) VCF-style: chr1-43888767-C-T.
Other names: c.2038-3C>T (NM_015284.4).
Identifiers: ClinVar variation 411938 (VCV000411938.11), dbSNP rs578153834, ClinGen allele CA808605.